The following is an entry in ClinVar:

ClinVar aggregate classification (germline): Uncertain significance. Review status: reviewed by expert panel (3 of 4 stars). 3 submissions from 3 submitters: Uncertain significance (1). 2 of the submissions do not count toward it. Last evaluated 2024-09-16.

Conditions:
Inborn genetic diseases. Identifiers: MedGen C0950123, MeSH D030342.
Hereditary thrombocytopenia and hematologic cancer predisposition syndrome. Identifiers: Orphanet 71290, MedGen CN281654, MONDO:0011071.
Hereditary thrombocytopenia and hematological cancer predisposition syndrome associated with RUNX1. Also called: Familial Platelet Disorder with Propensity to Acute Myelogenous Leukemia; Familial thrombocytopenia with propensity to acute myelogenous leukemia; PLATELET DISORDER, ASPIRIN-LIKE; RUNX1 Familial Platelet Disorder with Associated Myeloid Malignancies. Identifiers: Orphanet 71290, MedGen C1832388, MeSH C563324, MONDO:0100083, OMIM 601399.

Submissions (3):

ClinGen Myeloid Malignancy Variant Curation Expert Panel
Classification: Uncertain significance for Hereditary thrombocytopenia and hematologic cancer predisposition syndrome. Last evaluated: 2024-09-16. Review status: reviewed by expert panel. Criteria: ClinGen MyeloMalig ACMG Specifications v2. Collection method: curation. Allele origin: germline. Inheritance: Autosomal dominant inheritance.
Comment: NM_001754.5(RUNX1):c.1040T>G (p.Met347Arg) is a missense variant which is completely absent from all population databases with at least 20x coverage for RUNX1 (PM2_Supporting). In summary, the clinical significance of this variant is uncertain. ACMG/AMP criteria applied, as specified by the Myeloid Malignancy Variant Curation Expert Panel for RUNX1: PM2_supporting.

Ambry Genetics
Classification: Uncertain significance for Inborn genetic diseases. Last evaluated: 2025-03-14. Review status: criteria provided, single submitter. Criteria: Ambry Variant Classification Scheme 2023. Collection method: clinical testing. Allele origin: germline. Not counted in ClinVar's aggregate classification.
Comment: The p.M347R variant (also known as c.1040T>G), located in coding exon 8 of the RUNX1 gene, results from a T to G substitution at nucleotide position 1040. The methionine at codon 347 is replaced by arginine, an amino acid with similar properties. This amino acid position is conserved. In addition, this alteration is predicted to be deleterious by in silico analysis. Based on the available evidence, the clinical significance of this variant remains unclear.

Labcorp Genetics (formerly Invitae), Labcorp
Classification: Uncertain significance for Hereditary thrombocytopenia and hematological cancer predisposition syndrome associated with RUNX1. Last evaluated: 2023-10-17. Review status: criteria provided, single submitter. Criteria: Invitae Variant Classification Sherloc (09022015). Collection method: clinical testing. Allele origin: germline. Not counted in ClinVar's aggregate classification.
Comment: This sequence change replaces methionine, which is neutral and non-polar, with arginine, which is basic and polar, at codon 347 of the RUNX1 protein (p.Met347Arg). This variant is not present in population databases (gnomAD no frequency). This variant has not been reported in the literature in individuals affected with RUNX1-related conditions. Advanced modeling of protein sequence and biophysical properties (such as structural, functional, and spatial information, amino acid conservation, physicochemical variation, residue mobility, and thermodynamic stability) has been performed at Invitae for this missense variant, however the output from this modeling did not meet the statistical confidence thresholds required to predict the impact of this variant on RUNX1 protein function. In summary, the available evidence is currently insufficient to determine the role of this variant in disease. Therefore, it has been classified as a Variant of Uncertain Significance.

NM_001754.5(RUNX1):c.1040T>G (p.Met347Arg)

Gene: RUNX1 (RUNX family transcription factor 1; minus strand). Cytogenetic location: 21q22.12.
Variant type: single nucleotide variant.
Coding change: c.1040T>G on transcript NM_001754.5 (MANE Select); coding-DNA position 1040, T replaced by G.
Protein change: p.Met347Arg; replaces methionine 347 with arginine.
Molecular consequence: missense variant.
Genome position (GRCh38, 1-based): chr21:34,792,538, A>C on the plus strand (T>G on the coding strand, the complement: RUNX1 is on the minus strand). VCF-style: chr21-34792538-A-C. GRCh37 (hg19) VCF-style: chr21-36164835-A-C.
Other names: NM_001754.5(RUNX1):c.1040T>G; p.Met347Arg; c.959T>G, p.Met320Arg (NM_001001890.3); short protein forms M347R, M320R.
Identifiers: ClinVar variation 2769330 (VCV002769330.5), dbSNP rs2516823949, ClinGen allele CA410148429.